The following is an entry in ClinVar:

ClinVar aggregate classification (germline): Likely benign. Review status: criteria provided, multiple submitters, no conflicts (2 of 4 stars). 2 submissions from 2 submitters: Likely benign (2). Last evaluated 2021-09-30.

Allele frequency attached by ClinVar (database versions not stated): gnomAD exomes 0.00001 and 0.00004; ExAC 0.00003; gnomAD 0.00004; TOPMed 0.00006.
gnomAD v4.1: 22 of 1,204,879 alleles (0.0018%); highest among the groups gnomAD compares: Middle Eastern, 0.12%; no homozygotes.

Submissions (4):

Blueprint Genetics
Classification: Likely benign. Last evaluated: 2021-09-30. Review status: criteria provided, single submitter. Criteria: ACMG Guidelines, 2015. Collection method: clinical testing. Allele origin: germline.

GeneDx
Classification: Likely benign. Last evaluated: 2016-02-15. Review status: criteria provided, single submitter. Criteria: GeneDx Variant Classification (06012015). Collection method: clinical testing. Allele origin: germline. Affected: yes.
Comment: This variant is considered likely benign or benign based on one or more of the following criteria: it is a conservative change, it occurs at a poorly conserved position in the protein, it is predicted to be benign by multiple in silico algorithms, and/or has population frequency not consistent with disease.

Dr. Peter K. Rogan Lab, Western University
No classification provided (evidence only). Condition: Thyroid cancer, nonmedullary, 1. Review status: no classification provided. Collection method: in vitro. Allele origin: not applicable. Functional consequence: retained intron. Not counted in ClinVar's aggregate classification.

Dr. Peter K. Rogan Lab, Western University
No classification provided (evidence only). Condition: Thyroid cancer, nonmedullary, 1. Review status: no classification provided. Collection method: in vitro. Allele origin: not applicable. Functional consequence: retained intron. Not counted in ClinVar's aggregate classification.

NM_002025.4(AFF2):c.3447G>A (p.Ser1149=)

Gene: AFF2 (ALF transcription elongation factor 2; plus strand). Cytogenetic location: Xq28.
Variant type: single nucleotide variant.
Coding change: c.3447G>A on transcript NM_002025.4 (MANE Select); coding-DNA position 3447, G replaced by A.
Protein change: p.Ser1149=; no amino-acid change (serine 1149 retained).
Molecular consequence: synonymous variant.
Genome position (GRCh38, 1-based): chrX:148,977,975, G>A. VCF-style: chrX-148977975-G-A. GRCh37 (hg19) VCF-style: chrX-148059505-G-A.
Other names: NC_000023.10:g.148059505G>A; c.3342G>A, p.Ser1114= (NM_001169122.2, NM_001169124.2); c.3417G>A, p.Ser1139= (NM_001169123.2); c.3330G>A, p.Ser1110= (NM_001169125.2); c.2370G>A, p.Ser790= (NM_001170628.1).
Identifiers: ClinVar variation 383413 (VCV000383413.3), dbSNP rs782742162, ClinGen allele CA10537322.